The following is an entry in ClinVar:

ClinVar aggregate classification (germline): Uncertain significance (1 of 4 stars; one submission).

Submission:

Labcorp Genetics (formerly Invitae), Labcorp
Classification: Uncertain significance. Last evaluated: 2024-05-23. Review status: criteria provided, single submitter. Criteria: Invitae Variant Classification Sherloc (09022015). Collection method: clinical testing. Allele origin: germline.
Comment: This variant, c.4199_4201del, results in the deletion of 1 amino acid(s) of the SRCAP protein (p.Pro1400del), but otherwise preserves the integrity of the reading frame. This variant is present in population databases (rs530668607, gnomAD 0.07%), and has an allele count higher than expected for a pathogenic variant. This variant has not been reported in the literature in individuals affected with SRCAP-related conditions. Experimental studies and prediction algorithms are not available or were not evaluated, and the functional significance of this variant is currently unknown. In summary, the available evidence is currently insufficient to determine the role of this variant in disease. Therefore, it has been classified as a Variant of Uncertain Significance.

NM_006662.3(SRCAP):c.4196CTC[1] (p.Pro1400del)

Gene: SRCAP (Snf2 related CREBBP activator protein; plus strand). Cytogenetic location: 16p11.2.
Variant type: Microsatellite.
Coding change: c.4196CTC[1] on transcript NM_006662.3 (MANE Select); one copy of the 3-base unit CTC starting at c.4196; the reference has two copies in a row; one copy, 3 bases deleted.
Protein change: p.Pro1400del; deletes proline 1400.
Molecular consequence: inframe deletion.
Genome position (GRCh38, 1-based): chr16:30,723,623-30,723,625, CTC deleted; deleting any 3 consecutive bases within chr16:30,723,620-30,723,625 gives the same sequence; the position shown is the placement nearest the transcript's 3' end. VCF-style (leftmost placement, unchanged base first): chr16-30723619-TCTC-T. GRCh37 (hg19) VCF-style: chr16-30734940-TCTC-T.
Other names: short protein forms P1400del.
Identifiers: ClinVar variation 2068610 (VCV002068610.4), dbSNP rs530668607, ClinGen allele CA8011700.
Genomic context (GRCh38, chr16:30,723,619, plus strand): 5'-GCTAACTCATCCTCTCTCTCCACAGCTTCAGCCCCCGGAGCTGCCCCCTTGACCATCTCT[TCTC>T]CTCTCCACGTGCCATCCTCCCTCCCTGGGCCAGCCTCTTCTCCAATGCCAATTCCCAACT-3'